The following is an entry in ClinVar:

NM_024642.5(GALNT12):c.1265G>T (p.Cys422Phe)

Gene: GALNT12 (polypeptide N-acetylgalactosaminyltransferase 12; plus strand). Cytogenetic location: 9q22.33.
Variant type: single nucleotide variant.
Coding change: c.1265G>T on transcript NM_024642.5 (MANE Select); coding-DNA position 1265, G replaced by T.
Protein change: p.Cys422Phe; replaces cysteine 422 with phenylalanine.
Molecular consequence: missense variant.
Genome position (GRCh38, 1-based): chr9:98,840,054, G>T. VCF-style: chr9-98840054-G-T. GRCh37 (hg19) VCF-style: chr9-101602336-G-T.
Other names: short protein forms C422F.
Identifiers: ClinVar variation 818738 (VCV000818738.11), dbSNP rs755796376, ClinGen allele CA5154218.

ClinVar aggregate classification (germline): Uncertain significance. Review status: criteria provided, multiple submitters, no conflicts (2 of 4 stars). 4 submissions from 4 submitters: Uncertain significance (4). Last evaluated 2024-04-25.

Conditions:
Colorectal cancer, susceptibility to, 1. Also called: COLORECTAL ADENOMA AND CANCER, SUSCEPTIBILITY TO; COLORECTAL CANCER, SUSCEPTIBILITY TO, ON CHROMOSOME 9. Identifiers: MedGen C1837315, MONDO:0012132, OMIM 608812.

Allele frequency attached by ClinVar (database versions not stated): gnomAD below 0.00001 and 0.00002; TOPMed 0.00001; gnomAD exomes 0.00003 and 0.00007; ExAC 0.00006.
gnomAD v4.1: 46 of 1,614,092 alleles (0.0028%); highest among the groups gnomAD compares: South Asian, 0.048%; no homozygotes.

Submissions (4):

Fulgent Genetics
Classification: Uncertain significance for Colorectal cancer, susceptibility to, 1. Last evaluated: 2024-04-25. Review status: criteria provided, single submitter. Criteria: ACMG Guidelines, 2015. Collection method: clinical testing. Allele origin: germline.

Labcorp Genetics (formerly Invitae), Labcorp
Classification: Uncertain significance. Last evaluated: 2024-03-15. Review status: criteria provided, single submitter. Criteria: Invitae Variant Classification Sherloc (09022015). Collection method: clinical testing. Allele origin: germline.
Comment: This sequence change replaces cysteine, which is neutral and slightly polar, with phenylalanine, which is neutral and non-polar, at codon 422 of the GALNT12 protein (p.Cys422Phe). This variant is present in population databases (rs755796376, gnomAD 0.05%), and has an allele count higher than expected for a pathogenic variant. This variant has not been reported in the literature in individuals affected with GALNT12-related conditions. ClinVar contains an entry for this variant (Variation ID: 818738). Advanced modeling of protein sequence and biophysical properties (such as structural, functional, and spatial information, amino acid conservation, physicochemical variation, residue mobility, and thermodynamic stability) performed at Invitae indicates that this missense variant is expected to disrupt GALNT12 protein function with a positive predictive value of 80%. In summary, the available evidence is currently insufficient to determine the role of this variant in disease. Therefore, it has been classified as a Variant of Uncertain Significance.

Ambry Genetics
Classification: Uncertain significance. Last evaluated: 2024-02-06. Review status: criteria provided, single submitter. Criteria: Ambry Variant Classification Scheme 2023. Collection method: clinical testing. Allele origin: germline.
Comment: The p.C422F variant (also known as c.1265G>T), located in coding exon 7 of the GALNT12 gene, results from a G to T substitution at nucleotide position 1265. The cysteine at codon 422 is replaced by phenylalanine, an amino acid with highly dissimilar properties. This amino acid position is highly conserved in available vertebrate species. In addition, this alteration is predicted to be deleterious by in silico analysis. The evidence for this gene-disease relationship is limited; therefore, the clinical significance of this alteration is unclear.

Baylor Genetics
Classification: Uncertain significance for Colorectal cancer, susceptibility to, 1. Last evaluated: 2023-08-04. Review status: criteria provided, single submitter. Criteria: ACMG Guidelines, 2015. Collection method: clinical testing. Allele origin: unknown.